The following is an entry in ClinVar:

NM_001370259.2(MEN1):c.1211T>A (p.Leu404His)

Gene: MEN1 (menin 1; minus strand). Cytogenetic location: 11q13.1.
Variant type: single nucleotide variant.
Coding change: c.1211T>A on transcript NM_001370259.2 (MANE Select); coding-DNA position 1211, T replaced by A.
Protein change: p.Leu404His; replaces leucine 404 with histidine.
Molecular consequence: missense variant.
Genome position (GRCh38, 1-based): chr11:64,805,173, A>T on the plus strand (T>A on the coding strand, the complement: MEN1 is on the minus strand). VCF-style: chr11-64805173-A-T. GRCh37 (hg19) VCF-style: chr11-64572645-A-T.
Other names: c.1226T>A, p.Leu409His (NM_000244.4, NM_130800.3, NM_130801.3 and 3 more transcripts); c.1337T>A, p.Leu446His (NM_001370251.2); c.1211T>A, p.Leu404His (NM_001370260.2, NM_001370261.2, NM_130799.3); c.1106T>A, p.Leu369His (NM_001370262.2, NM_001370263.2); short protein forms L404H, L409H, L446H, L369H.
Identifiers: ClinVar variation 944650 (VCV000944650.9), dbSNP rs1941623255, ClinGen allele CA381180745.
Genomic context (GRCh38, chr11:64,805,173, plus strand): 5'-TCCCATTTGCAGATGCCGTCGTAGAATCGCAGCAGGTGGGCGAAGCACTCAGGGTCCTGG[A>T]GGGCGGAACCTTGGCTCTGGGTGCCCTGGACGAGGGGGAAGGGAGGGCACAGATCAGTCT-3'
Protein context (NP_001357188.2, residues 394-414): SQGTQSQGSA[Leu404His]QDPECFAHLL

ClinVar aggregate classification (germline): Uncertain significance (1 of 4 stars; one submission).

Conditions:
Multiple endocrine neoplasia, type 1 (MEN1). Also called: MEN I; WERMER SYNDROME; Endocrine adenomatosis multiple; MEN 1; MEA I. Identifiers: Orphanet 652, MedGen C0025267, MeSH D018761, MONDO:0007540, OMIM 131100.

Submission:

Labcorp Genetics (formerly Invitae), Labcorp
Classification: Uncertain significance for Multiple endocrine neoplasia, type 1. Last evaluated: 2019-07-24. Review status: criteria provided, single submitter. Criteria: Invitae Variant Classification Sherloc (09022015). Collection method: clinical testing. Allele origin: germline.
Comment: This sequence change replaces leucine with histidine at codon 404 of the MEN1 protein (p.Leu404His). The leucine residue is highly conserved and there is a moderate physicochemical difference between leucine and histidine. This variant is not present in population databases (ExAC no frequency). This variant has not been reported in the literature in individuals with MEN1-related conditions. Algorithms developed to predict the effect of missense changes on protein structure and function are either unavailable or do not agree on the potential impact of this missense change (SIFT: "Deleterious"; PolyPhen-2: "Probably Damaging"; Align-GVGD: "Class C0"). In summary, the available evidence is currently insufficient to determine the role of this variant in disease. Therefore, it has been classified as a Variant of Uncertain Significance.